The following is an entry in ClinVar:

ClinVar aggregate classification (germline): Conflicting classifications of pathogenicity. Review status: criteria provided, conflicting classifications (1 of 4 stars). 7 submissions from 6 submitters: Uncertain significance (2); Benign (2); Likely benign (3). Last evaluated 2026-02-02.

Conditions:
COL11A1-related disorder. Also called: COL11A1-related condition; COL11A1-related disorders.
Stickler syndrome type 2 (STL2). Also called: STICKLER SYNDROME, TYPE II; STICKLER SYNDROME, BEADED VITREOUS TYPE; STICKLER SYNDROME, VITREOUS TYPE 2; COL11A1-Related Stickler Syndrome. Identifiers: Orphanet 828, Orphanet 90654, MedGen C1858084, MONDO:0011493, OMIM 604841.
Fibrochondrogenesis 1 (FBCG1). Identifiers: Orphanet 2021, MedGen C3278138, MONDO:0009226, OMIM 228520.

Allele frequency attached by ClinVar (database versions not stated): gnomAD below 0.00001 and 0.00010; TOPMed 0.00001; ExAC 0.00030; gnomAD exomes 0.00035; 1000 Genomes Project 0.00060; 1000 Genomes Project 30x 0.00062.
gnomAD v4.1: 265 of 1,612,588 alleles (0.016%); highest among the groups gnomAD compares: South Asian, 0.27%; 1 homozygote.

Submissions (7):

Labcorp Genetics (formerly Invitae), Labcorp
Classification: Benign. Last evaluated: 2026-02-02. Review status: criteria provided, single submitter. Criteria: Invitae Variant Classification Sherloc (09022015). Collection method: clinical testing. Allele origin: germline.

GeneDx
Classification: Uncertain significance. Last evaluated: 2025-04-07. Review status: criteria provided, single submitter. Criteria: GeneDx Variant Classification Process June 2021. Collection method: clinical testing. Allele origin: germline. Affected: yes.
Comment: In silico analysis supports that this missense variant has a deleterious effect on protein structure/function; Has not been previously published as pathogenic or benign to our knowledge; Not located in the triple helical region, where the majority of pathogenic missense variants occur (HGMD; PMID: 25240749); This variant is associated with the following publications: (PMID: 25240749)

PreventionGenetics, part of Exact Sciences
Classification: Likely benign for COL11A1-related condition. Last evaluated: 2025-03-25. Review status: criteria provided, single submitter. Criteria: ACMG Guidelines, 2015. Collection method: clinical testing. Allele origin: germline.
Comment: This variant is classified as likely benign based on ACMG/AMP sequence variant interpretation guidelines (Richards et al. 2015 PMID: 25741868, with internal and published modifications).

Revvity Omics, Revvity
Classification: Likely benign. Last evaluated: 2023-10-31. Review status: criteria provided, single submitter. Criteria: ACMG Guidelines, 2015. Collection method: clinical testing. Allele origin: germline.

Blueprint Genetics
Classification: Benign. Last evaluated: 2023-05-03. Review status: criteria provided, single submitter. Criteria: ACMG Guidelines, 2015. Collection method: clinical testing. Allele origin: germline.

Illumina Laboratory Services, Illumina
Classification: Uncertain significance for Fibrochondrogenesis 1. Last evaluated: 2018-01-13. Review status: criteria provided, single submitter. Criteria: ICSL Variant Classification Criteria 13 December 2019. Collection method: clinical testing. Allele origin: germline.

Illumina Laboratory Services, Illumina
Classification: Likely benign for Stickler syndrome type 2. Last evaluated: 2018-01-13. Review status: criteria provided, single submitter. Criteria: ICSL Variant Classification Criteria 13 December 2019. Collection method: clinical testing. Allele origin: germline.
Comment: This variant was observed in the ICSL laboratory as part of a predisposition screen in an ostensibly healthy population. It had not been previously curated by ICSL or reported in the Human Gene Mutation Database (HGMD: prior to June 1st, 2018), and was therefore a candidate for classification through an automated scoring system. Utilizing variant allele frequency, disease prevalence and penetrance estimates, and inheritance mode, an automated score was calculated to assess if this variant is too frequent to cause the disease. Based on the score and internal cut-off values, a variant classified as likely benign is not then subjected to further curation. The score for this variant resulted in a classification of likely benign for this disease.

NM_001854.4(COL11A1):c.5003C>T (p.Pro1668Leu)

Gene: COL11A1 (collagen type XI alpha 1 chain; minus strand). Cytogenetic location: 1p21.1.
Variant type: single nucleotide variant.
Coding change: c.5003C>T on transcript NM_001854.4 (MANE Select); coding-DNA position 5003, C replaced by T.
Protein change: p.Pro1668Leu; replaces proline 1668 with leucine.
Molecular consequence: missense variant. On other transcripts: non-coding transcript variant (1).
Genome position (GRCh38, 1-based): chr1:102,881,734, G>A on the plus strand (C>T on the coding strand, the complement: COL11A1 is on the minus strand). VCF-style: chr1-102881734-G-A. GRCh37 (hg19) VCF-style: chr1-103347290-G-A.
Other names: c.4886C>T, p.Pro1629Leu (NM_001190709.2); c.5039C>T, p.Pro1680Leu (NM_080629.3); c.4655C>T, p.Pro1552Leu (NM_080630.4); short protein forms P1680L, P1668L, P1629L, P1552L.
Identifiers: ClinVar variation 291492 (VCV000291492.17), dbSNP rs541676352, ClinGen allele CA973347.